The following is an entry in ClinVar:

ClinVar aggregate classification (germline): Uncertain significance (1 of 4 stars; one submission).

Submission:

GeneDx
Classification: Uncertain significance. Last evaluated: 2024-10-03. Review status: criteria provided, single submitter. Criteria: GeneDx Variant Classification Process June 2021. Collection method: clinical testing. Allele origin: germline. Affected: yes.
Comment: Not observed at significant frequency in large population cohorts (gnomAD); In silico analysis indicates that this missense variant does not alter protein structure/function; Has not been previously published as pathogenic or benign to our knowledge

NM_005120.3(MED12):c.4903G>A (p.Val1635Ile)

Gene: MED12 (mediator complex subunit 12; plus strand). Cytogenetic location: Xq13.1.
Variant type: single nucleotide variant.
Coding change: c.4903G>A on transcript NM_005120.3 (MANE Select); coding-DNA position 4903, G replaced by A.
Protein change: p.Val1635Ile; replaces valine 1635 with isoleucine.
Molecular consequence: missense variant.
Genome position (GRCh38, 1-based): chrX:71,135,131, G>A. VCF-style: chrX-71135131-G-A. GRCh37 (hg19) VCF-style: chrX-70354981-G-A.
Other names: short protein forms V1635I.
Identifiers: ClinVar variation 3776360 (VCV003776360.1).
Genomic context (GRCh38, chrX:71,135,131, plus strand): 5'-CCCATCTTCCTGTGCCTGCAGAAGGAGTTGGGGGAGCGCCAGTCAGACAGTCTGGAAAAG[G>A]TTCGCCAGCTGCTGCCACTGCCCAAGCAGACCCGAGATGTCATCACGTGTGAGCCACAGG-3'
Protein context (NP_005111.2, residues 1625-1645): GERQSDSLEK[Val1635Ile]RQLLPLPKQT